The following is an entry in ClinVar:

ClinVar aggregate classification (germline): Conflicting classifications of pathogenicity. Review status: criteria provided, conflicting classifications (1 of 4 stars). 4 submissions from 4 submitters: Uncertain significance (1); Benign (1); Likely benign (2). Last evaluated 2025-03-16.

Conditions:
Hereditary diffuse gastric adenocarcinoma (HDGC). Also called: DIFFUSE GASTRIC AND LOBULAR BREAST CANCER SYNDROME. Identifiers: Orphanet 26106, MedGen C1708349, MONDO:0007648, OMIM 137215.
Hereditary cancer-predisposing syndrome. Also called: Neoplastic Syndromes, Hereditary; Tumor predisposition; Hereditary Cancer Syndrome; Hereditary neoplastic syndrome. Identifiers: Orphanet 140162, MedGen C0027672, MeSH D009386, MONDO:0015356.

Allele frequency attached by ClinVar (database versions not stated): gnomAD exomes below 0.00001 and 0.00001.
gnomAD v4.1: 7 of 1,580,862 alleles (0.00044%); highest among the groups gnomAD compares: Middle Eastern, 0.017%; no homozygotes.

Submissions (4):

Labcorp Genetics (formerly Invitae), Labcorp
Classification: Likely benign. Last evaluated: 2025-03-16. Review status: criteria provided, single submitter. Criteria: Invitae Variant Classification Sherloc (09022015). Collection method: clinical testing. Allele origin: germline.

Myriad Genetics, Inc.
Classification: Benign for Hereditary diffuse gastric adenocarcinoma. Last evaluated: 2024-10-14. Review status: criteria provided, single submitter. Criteria: Myriad Autosomal Dominant, Autosomal Recessive and X-Linked Classification Criteria (2023). Collection method: clinical testing. Allele origin: unknown.
Comment: This variant is considered benign. This variant is a silent/synonymous amino acid change and it is not expected to impact splicing.

Ambry Genetics
Classification: Likely benign for Hereditary cancer-predisposing syndrome. Last evaluated: 2019-09-26. Review status: criteria provided, single submitter. Criteria: Ambry Variant Classification Scheme 2023. Collection method: clinical testing. Allele origin: germline.

Blueprint Genetics
Classification: Uncertain significance. Last evaluated: 2019-03-20. Review status: criteria provided, single submitter. Criteria: ACMG Guidelines, 2015. Collection method: clinical testing. Allele origin: germline.

NM_001903.5(CTNNA1):c.1908G>A (p.Glu636=)

Gene: CTNNA1 (catenin alpha 1; plus strand). Cytogenetic location: 5q31.2.
Variant type: single nucleotide variant.
Coding change: c.1908G>A on transcript NM_001903.5 (MANE Select); coding-DNA position 1908, G replaced by A.
Protein change: p.Glu636=; no amino-acid change (glutamic acid 636 retained).
Molecular consequence: synonymous variant.
Genome position (GRCh38, 1-based): chr5:138,929,254, G>A. VCF-style: chr5-138929254-G-A. GRCh37 (hg19) VCF-style: chr5-138264943-G-A.
Other names: c.1908G>A, p.Glu636= (NM_001290307.3, NM_001323982.2, NM_001323983.1 and 2 more transcripts); c.1599G>A, p.Glu533= (NM_001290309.3); c.1539G>A, p.Glu513= (NM_001290310.3); c.798G>A, p.Glu266= (NM_001290312.1, NM_001323987.1, NM_001323988.1 and 17 more transcripts); c.1815G>A, p.Glu605= (NM_001323986.2); c.459G>A, p.Glu153= (NM_001324006.1, NM_001324007.1, NM_001324008.1 and 2 more transcripts); c.705G>A, p.Glu235= (NM_001324011.1); c.555G>A, p.Glu185= (NM_001324012.1, NM_001324013.1).
Identifiers: ClinVar variation 820317 (VCV000820317.15), dbSNP rs1356044220, ClinGen allele CA446597659.
Genomic context (GRCh38, chr5:138,929,254, plus strand): 5'-GGGCTGGTGGCCCAGAGATGTGTCTGACCTGTGATCTTTGTCTGGGTGGCAGACCCCTGA[G>A]GAGTTGGATGACTCTGACTTTGAGACAGAAGATTTTGATGTCAGAAGCAGGACGAGCGTC-3'
Protein context (NP_001894.2, residues 626-646): RKAVLMIRTP[Glu636=]ELDDSDFETE